The following is an entry in ClinVar:

NM_001395002.1(MAP4K4):c.3481A>G (p.Thr1161Ala)

Gene: MAP4K4 (mitogen-activated protein kinase kinase kinase kinase 4; plus strand). Cytogenetic location: 2q11.2.
Variant type: single nucleotide variant.
Coding change: c.3481A>G on transcript NM_001395002.1 (MANE Select); coding-DNA position 3481, A replaced by G.
Protein change: p.Thr1161Ala; replaces threonine 1161 with alanine.
Molecular consequence: missense variant. On other transcripts: non-coding transcript variant (4).
Genome position (GRCh38, 1-based): chr2:101,882,646, A>G. VCF-style: chr2-101882646-A-G. GRCh37 (hg19) VCF-style: chr2-102499108-A-G.
Other names: c.3046A>G, p.Thr1016Ala (NM_001242559.2); c.3034A>G, p.Thr1012Ala (NM_001242560.2); c.3124A>G, p.Thr1042Ala (NM_001384476.1); c.3313A>G, p.Thr1105Ala (NM_001384477.1); c.2803A>G, p.Thr935Ala (NM_001384478.1); c.3241A>G, p.Thr1081Ala (NM_001384481.1); c.2794A>G, p.Thr932Ala (NM_001384482.1); c.3076A>G, p.Thr1026Ala (NM_001384483.1); and 39 more; short protein forms T1000A, T1003A, T1005A, T1011A, T1012A, T1016A, T1020A, T1026A.
Identifiers: ClinVar variation 3602553 (VCV003602553.1).

ClinVar aggregate classification (germline): Uncertain significance (1 of 4 stars; one submission).

gnomAD v4.1: 1 of 1,610,880 alleles (0.000062%); highest among the groups gnomAD compares: Non-Finnish European, 0.000085%; no homozygotes.

Submission:

GeneDx
Classification: Uncertain significance. Last evaluated: 2024-07-31. Review status: criteria provided, single submitter. Criteria: GeneDx Variant Classification Process June 2021. Collection method: clinical testing. Allele origin: germline. Affected: yes.
Comment: Not observed at significant frequency in large population cohorts (gnomAD); In silico analysis supports that this missense variant has a deleterious effect on protein structure/function; Has not been previously published as pathogenic or benign to our knowledge